The following is an entry in ClinVar:

NM_000059.4(BRCA2):c.6216del (p.Leu2073fs)

Gene: BRCA2 (BRCA2 DNA repair associated; plus strand). Cytogenetic location: 13q13.1.
Variant type: Deletion.
Coding change: c.6216del on transcript NM_000059.4 (MANE Select); coding-DNA position 6216, one base deleted (C; older notation c.6216delC).
Protein change: p.Leu2073fs; shifts the reading frame from leucine 2073.
Molecular consequence: frameshift variant.
Genome position (GRCh38, 1-based): chr13:32,340,571, C deleted; the last of 2 consecutive C bases (chr13:32,340,570-32,340,571); deleting either gives the same sequence. VCF-style (leftmost placement, unchanged base first): chr13-32340569-TC-T. GRCh37 (hg19) VCF-style: chr13-32914706-TC-T.
Other names: 6444delC; p.Leu2073Tyrfs*8; c.6216delC (NM_000059.3).
Identifiers: ClinVar variation 52035 (VCV000052035.22), dbSNP rs80359567, ClinGen allele CA023764.
Genomic context (GRCh38, chr13:32,340,569, plus strand): 5'-TCATCTGCTTTCTCTGGATTTAGTACAGCAAGTGGAAAGCAAGTTTCCATTTTAGAAAGT[TC>T]CTTACACAAAGTTAAGGGAGTGTTAGAGGAATTTGATTTAATCAGAACTGAGCATAGTCT-3'

ClinVar aggregate classification (germline): Pathogenic. Review status: reviewed by expert panel (3 of 4 stars). 10 submissions from 10 submitters: Pathogenic (1). 9 of the submissions do not count toward it. Last evaluated 2016-09-08.

Conditions:
Hereditary breast ovarian cancer syndrome. Also called: Hereditary breast and ovarian cancer syndrome; Hereditary breast and ovarian cancer; Hereditary breast and ovarian cancer syndrome (HBOC); Breast and ovarian cancer; Hereditary breast and/or ovarian cancer syndrome; BRCA1- and BRCA2-Associated Hereditary Breast and Ovarian Cancer. Identifiers: Orphanet 145, MedGen C0677776, MeSH D061325, MONDO:0003582. Disease mechanism: loss of function.
Hereditary cancer-predisposing syndrome. Also called: Neoplastic Syndromes, Hereditary; Tumor predisposition; Hereditary neoplastic syndrome; Hereditary Cancer Syndrome. Identifiers: Orphanet 140162, MedGen C0027672, MeSH D009386, MONDO:0015356.
Ovarian neoplasm. Also called: Neoplasm of ovary; Ovarian tumor; Ovarian Neoplasms. Identifiers: MedGen C0919267, MeSH D010051, MONDO:0021068, HP:0100615.
Breast-ovarian cancer, familial, susceptibility to, 2 (BROVCA2). Also called: BRCA2 Hereditary Breast and Ovarian Cancer. Identifiers: Orphanet 145, MedGen C2675520, MONDO:0012933, OMIM 612555. Disease mechanism: loss of function.

Submissions (10):

Evidence-based Network for the Interpretation of Germline Mutant Alleles (ENIGMA)
Classification: Pathogenic for Breast-ovarian cancer, familial, susceptibility to, 2. Last evaluated: 2016-09-08. Review status: reviewed by expert panel. Criteria: ENIGMA BRCA1/2 Classification Criteria (2015). Collection method: curation. Allele origin: germline.
Comment: Variant allele predicted to encode a truncated non-functional protein.

Labcorp Genetics (formerly Invitae), Labcorp
Classification: Pathogenic for Hereditary breast ovarian cancer syndrome. Last evaluated: 2024-09-12. Review status: criteria provided, single submitter. Criteria: Invitae Variant Classification Sherloc (09022015). Collection method: clinical testing. Allele origin: germline. Not counted in ClinVar's aggregate classification.
Comment: This sequence change creates a premature translational stop signal (p.Leu2073Tyrfs*8) in the BRCA2 gene. It is expected to result in an absent or disrupted protein product. Loss-of-function variants in BRCA2 are known to be pathogenic (PMID: 20104584). This variant is not present in population databases (gnomAD no frequency). This variant has not been reported in the literature in individuals affected with BRCA2-related conditions. ClinVar contains an entry for this variant (Variation ID: 52035). For these reasons, this variant has been classified as Pathogenic.

Mayo Clinic Laboratories, Mayo Clinic
Classification: Pathogenic. Last evaluated: 2024-05-03. Review status: criteria provided, single submitter. Criteria: ACMG Guidelines, 2015. Collection method: clinical testing. Allele origin: germline. Observed: 1 variant allele. Not counted in ClinVar's aggregate classification.
Comment: PM2, PM5_strong, PVS1

GeneDx
Classification: Pathogenic. Last evaluated: 2023-12-10. Review status: criteria provided, single submitter. Criteria: GeneDx Variant Classification Process June 2021. Collection method: clinical testing. Allele origin: germline. Affected: yes. Not counted in ClinVar's aggregate classification.
Comment: Frameshift variant predicted to result in protein truncation or nonsense mediated decay in a gene for which loss of function is a known mechanism of disease; Truncating variants in this gene are considered pathogenic by a well-established clinical consortium and/or database; Identified in individuals referred for multi-gene panel testing with personal or family history of cancer (PMID: 31853058); Not observed at significant frequency in large population cohorts (gnomAD); Also known as 6444del; This variant is associated with the following publications: (PMID: 28152038, 31853058)

Ambry Genetics
Classification: Pathogenic for Hereditary cancer-predisposing syndrome. Last evaluated: 2023-11-29. Review status: criteria provided, single submitter. Criteria: Ambry Variant Classification Scheme 2023. Collection method: clinical testing. Allele origin: germline. Not counted in ClinVar's aggregate classification.
Comment: The c.6216delC pathogenic mutation, located in coding exon 10 of the BRCA2 gene, results from a deletion of one nucleotide at nucleotide position 6216, causing a translational frameshift with a predicted alternate stop codon (p.L2073Yfs*8). This alteration is expected to result in loss of function by premature protein truncation or nonsense-mediated mRNA decay. As such, this alteration is interpreted as a disease-causing mutation.

Color Diagnostics, LLC DBA Color Health
Classification: Pathogenic for Hereditary cancer-predisposing syndrome. Last evaluated: 2020-09-29. Review status: criteria provided, single submitter. Criteria: ACMG Guidelines, 2015. Collection method: clinical testing. Allele origin: germline. Not counted in ClinVar's aggregate classification.
Comment: This variant deletes 1 nucleotide in exon 11 of the BRCA2 gene, creating a frameshift and premature translation stop signal. This variant is expected to result in an absent or non-functional protein product. To our knowledge, this variant has not been reported in individuals affected with hereditary cancer in the literature. This variant has not been identified in the general population by the Genome Aggregation Database (gnomAD). Loss of BRCA2 function is a known mechanism of disease. Based on the available evidence, this variant is classified as Pathogenic.

Women's Health and Genetics/Laboratory Corporation of America, LabCorp
Classification: Pathogenic for Hereditary breast and ovarian cancer syndrome. Last evaluated: 2019-09-09. Review status: criteria provided, single submitter. Criteria: LabCorp Variant Classification Summary - May 2015. Collection method: clinical testing. Allele origin: germline. Not counted in ClinVar's aggregate classification.
Comment: Variant summary: BRCA2 c.6216delC (p.Leu2073TyrfsX8) results in a premature termination codon, predicted to cause a truncation of the encoded protein or absence of the protein due to nonsense mediated decay, which are commonly known mechanisms for disease. Truncations downstream of this position have been classified as pathogenic by our laboratory. The variant was absent in 249774 control chromosomes (gnomAD). To our knowledge, no occurrence of c.6216delC in individuals affected with Hereditary Breast and Ovarian Cancer and no experimental evidence demonstrating its impact on protein function have been reported. Four submitters including one expert panel (ENIGMA) have submitted clinical-significance assessments for this variant to ClinVar after 2014 without evidence for independent evaluation. All classified the variant as pathogenic. Based on the evidence outlined above, the variant was classified as pathogenic.

Quest Diagnostics Nichols Institute San Juan Capistrano
Classification: Pathogenic. Last evaluated: 2016-03-05. Review status: criteria provided, single submitter. Criteria: Quest Diagnostics criteria. Collection method: clinical testing. Allele origin: germline. Not counted in ClinVar's aggregate classification.

German Consortium for Hereditary Breast and Ovarian Cancer, University Hospital Cologne
Classification: Pathogenic for Ovarian neoplasm. Last evaluated: 2018-12-01. Review status: no assertion criteria provided. Collection method: research. Allele origin: somatic. Affected: yes. Not counted in ClinVar's aggregate classification.

Breast Cancer Information Core (BIC) (BRCA2)
Classification: Pathogenic for Breast-ovarian cancer, familial 2. Review status: no assertion criteria provided. Collection method: clinical testing. Allele origin: germline. Affected: yes. Observed: 1 variant allele. Not counted in ClinVar's aggregate classification.

Literature cited by the submitters: PubMed 20104584 (cited by Labcorp Genetics (formerly Invitae), Labcorp); PubMed 28152038 (cited by Women's Health and Genetics/Laboratory Corporation of America, LabCorp).